The following is an entry in ClinVar:

NM_032314.4(COQ5):c.16A>G (p.Ser6Gly)

Gene: COQ5 (coenzyme Q5, methyltransferase; minus strand). Cytogenetic location: 12q24.31.
Variant type: single nucleotide variant.
Coding change: c.16A>G on transcript NM_032314.4 (MANE Select); coding-DNA position 16, A replaced by G.
Protein change: p.Ser6Gly; replaces serine 6 with glycine.
Molecular consequence: missense variant.
Genome position (GRCh38, 1-based): chr12:120,529,126, T>C on the plus strand (A>G on the coding strand, the complement: COQ5 is on the minus strand). VCF-style: chr12-120529126-T-C. GRCh37 (hg19) VCF-style: chr12-120966929-T-C.
Other names: short protein forms S6G.
Identifiers: ClinVar variation 727118 (VCV000727118.5), dbSNP rs140043357, ClinGen allele CA6828958.
Genomic context (GRCh38, chr12:120,529,126, plus strand): 5'-GCTGGCAGCCCCGCATCGCCCGCGACCACCCACGGCCGCAATAGCTCCATAGAGCACAGC[T>C]CCCGGGGGCCGCCATCTTGGTAGTCGAGTGACAACGGCCAGAGAGTACGCCTTGTTGCGT-3'
Protein context (NP_115690.3, residues 1-16): MAAPG[Ser6Gly]CALWSYCGRG

ClinVar aggregate classification (germline): Likely benign. Review status: criteria provided, single submitter (1 of 4 stars). 2 submissions from 2 submitters: Likely benign (1). 1 of the submissions does not count toward it. Last evaluated 2018-06-12.

Conditions:
COQ5-related disorder. Also called: COQ5-related condition.

Allele frequency attached by ClinVar (database versions not stated): gnomAD exomes 0.00009 and 0.00017; ExAC 0.00028; ESP Exome Variant Server 0.00069; 1000 Genomes Project 0.00080; 1000 Genomes Project 30x 0.00094; TOPMed 0.00108; gnomAD 0.00112 and 0.00121.
gnomAD v4.1: 296 of 1,613,502 alleles (0.018%); highest among the groups gnomAD compares: African/African-American, 0.36%; 1 homozygote.

Submissions (2):

Labcorp Genetics (formerly Invitae), Labcorp
Classification: Likely benign. Last evaluated: 2018-06-12. Review status: criteria provided, single submitter. Criteria: Invitae Variant Classification Sherloc (09022015). Collection method: clinical testing. Allele origin: germline.

PreventionGenetics, part of Exact Sciences
Classification: Likely benign for COQ5-related condition. Last evaluated: 2022-03-28. Review status: no assertion criteria provided. Collection method: clinical testing. Allele origin: germline. Not counted in ClinVar's aggregate classification.
Comment: This variant is classified as likely benign based on ACMG/AMP sequence variant interpretation guidelines (Richards et al. 2015 PMID: 25741868, with internal and published modifications).